The following is an entry in ClinVar:

ClinVar aggregate classification (germline): Pathogenic (1 of 4 stars; one submission).

Submission:

Labcorp Genetics (formerly Invitae), Labcorp
Classification: Pathogenic. Last evaluated: 2023-10-24. Review status: criteria provided, single submitter. Criteria: Invitae Variant Classification Sherloc (09022015). Collection method: clinical testing. Allele origin: germline.
Comment: This variant is a gross deletion of the genomic region encompassing exon(s) 2-5 of the CLDN16 gene, which includes the termination codon. This deletion extends beyond the assayed region for this gene and therefore may encompass additional genes. While this deletion is not anticipated to lead to nonsense mediated decay, it is expected to alter mRNA translation or result in a truncated protein product. A similar copy number variant has been observed in individuals with CLDN16-related conditions (PMID: 26136118, 32710267). This variant disrupts a region of the CLDN16 protein in which other variant(s) (p.Gly239Arg) have been determined to be pathogenic (PMID: 10878661, 11518780, 18003771, 25477417). This suggests that this is a clinically significant region of the protein, and that variants that disrupt it are likely to be disease-causing. For these reasons, this variant has been classified as Pathogenic.

Literature cited by the submitters: PubMed 26136118; PubMed 32710267; PubMed 10878661; PubMed 11518780; PubMed 18003771; PubMed 25477417.

NC_000003.11:g.(?_190120106)_(190127825_?)del

Gene: CLDN16 (claudin 16; plus strand). Cytogenetic location: 3q28.
Variant type: Deletion.
Identifiers: ClinVar variation 2425616 (VCV002425616.4).